The following is an entry in ClinVar:

NM_014244.5(ADAMTS2):c.2479C>T (p.Arg827Trp)

Gene: ADAMTS2 (ADAM metallopeptidase with thrombospondin type 1 motif 2; minus strand). Cytogenetic location: 5q35.3.
Variant type: single nucleotide variant.
Coding change: c.2479C>T on transcript NM_014244.5 (MANE Select); coding-DNA position 2479, C replaced by T.
Protein change: p.Arg827Trp; replaces arginine 827 with tryptophan.
Molecular consequence: missense variant.
Genome position (GRCh38, 1-based): chr5:179,128,097, G>A on the plus strand (C>T on the coding strand, the complement: ADAMTS2 is on the minus strand). VCF-style: chr5-179128097-G-A. GRCh37 (hg19) VCF-style: chr5-178555098-G-A.
Other names: short protein forms R827W.
Identifiers: ClinVar variation 653861 (VCV000653861.5), dbSNP rs376995938, ClinGen allele CA3595532.

ClinVar aggregate classification (germline): Uncertain significance. Review status: criteria provided, multiple submitters, no conflicts (2 of 4 stars). 3 submissions from 3 submitters: Uncertain significance (2). 1 of the submissions does not count toward it. Last evaluated 2025-05-14.

Conditions:
Ehlers-Danlos syndrome, dermatosparaxis type. Also called: Dermatosparaxis; Ehlers-Danlos syndrome, type VII, autosomal recessive; EDS VIIC. Identifiers: Orphanet 1901, MedGen C2700425, MONDO:0009161, OMIM 225410.

Allele frequency attached by ClinVar (database versions not stated): gnomAD 0.00001 and 0.00002; TOPMed 0.00002; gnomAD exomes 0.00005 and 0.00007; ExAC 0.00007; ESP Exome Variant Server 0.00008.
gnomAD v4.1: 81 of 1,613,482 alleles (0.005%); highest among the groups gnomAD compares: South Asian, 0.042%; 2 homozygotes.

Submissions (3):

Women's Health and Genetics/Laboratory Corporation of America, LabCorp
Classification: Uncertain significance. Last evaluated: 2025-05-14. Review status: criteria provided, single submitter. Criteria: LabCorp Variant Classification Summary - May 2015. Collection method: clinical testing. Allele origin: germline.
Comment: Variant summary: ADAMTS2 c.2479C>T (p.Arg827Trp) results in a non-conservative amino acid change in the encoded protein sequence. Algorithms developed to predict the effect of missense changes on protein structure and function are either unavailable or do not agree on the potential impact of this missense change. The variant allele was found at a frequency of 6.8e-05 in 251044 control chromosomes. This frequency is not significantly higher than estimated for a pathogenic variant in ADAMTS2 causing Ehlers-Danlos syndrome, dermatosparaxis type (6.8e-05 vs 0.0011), allowing no conclusion about variant significance. To our knowledge, no occurrence of c.2479C>T in individuals affected with Ehlers-Danlos syndrome, dermatosparaxis type and no experimental evidence demonstrating its impact on protein function have been reported. ClinVar contains an entry for this variant (Variation ID: 653861). Based on the evidence outlined above, the variant was classified as uncertain significance.

Labcorp Genetics (formerly Invitae), Labcorp
Classification: Uncertain significance for Ehlers-Danlos syndrome, dermatosparaxis type. Last evaluated: 2021-08-20. Review status: criteria provided, single submitter. Criteria: Invitae Variant Classification Sherloc (09022015). Collection method: clinical testing. Allele origin: germline.
Comment: This sequence change replaces arginine with tryptophan at codon 827 of the ADAMTS2 protein (p.Arg827Trp). The arginine residue is highly conserved and there is a moderate physicochemical difference between arginine and tryptophan. This variant is present in population databases (rs376995938, ExAC 0.03%). This variant has not been reported in the literature in individuals affected with ADAMTS2-related conditions. Algorithms developed to predict the effect of missense changes on protein structure and function (SIFT, PolyPhen-2, Align-GVGD) all suggest that this variant is likely to be disruptive. In summary, the available evidence is currently insufficient to determine the role of this variant in disease. Therefore, it has been classified as a Variant of Uncertain Significance.

Natera, Inc.
Classification: Uncertain significance for Ehlers-Danlos syndrome type VIIC. Last evaluated: 2020-09-16. Review status: no assertion criteria provided. Collection method: clinical testing. Allele origin: germline. Not counted in ClinVar's aggregate classification.